The following is an entry in ClinVar:

NM_001354930.2(RIPK1):c.491T>C (p.Met164Thr)

Gene: RIPK1 (receptor interacting serine/threonine kinase 1; plus strand). Cytogenetic location: 6p25.2.
Variant type: single nucleotide variant.
Coding change: c.491T>C on transcript NM_001354930.2 (MANE Select); coding-DNA position 491, T replaced by C.
Protein change: p.Met164Thr; replaces methionine 164 with threonine.
Molecular consequence: missense variant. On other transcripts: initiator codon variant (4).
Genome position (GRCh38, 1-based): chr6:3,083,116, T>C. VCF-style: chr6-3083116-T-C. GRCh37 (hg19) VCF-style: chr6-3083350-T-C.
Other names: c.2T>C, p.Met1Thr (NM_001317061.3, NM_001354932.2, NM_001354933.2 and 1 more transcripts); c.353T>C, p.Met118Thr (NM_001354931.2); c.491T>C, p.Met164Thr (NM_003804.6); short protein forms M164T, M1T, M118T.
Identifiers: ClinVar variation 1510475 (VCV001510475.8), dbSNP rs765935826, ClinGen allele CA3618210.

ClinVar aggregate classification (germline): Uncertain significance (1 of 4 stars; one submission).

Allele frequency attached by ClinVar (database versions not stated): gnomAD exomes 0.00001; TOPMed 0.00001; ExAC 0.00002.

Submission:

Labcorp Genetics (formerly Invitae), Labcorp
Classification: Uncertain significance. Last evaluated: 2023-05-18. Review status: criteria provided, single submitter. Criteria: Invitae Variant Classification Sherloc (09022015). Collection method: clinical testing. Allele origin: germline.
Comment: This sequence change replaces methionine, which is neutral and non-polar, with threonine, which is neutral and polar, at codon 164 of the RIPK1 protein (p.Met164Thr). This variant is present in population databases (rs765935826, gnomAD 0.002%). This variant has not been reported in the literature in individuals affected with RIPK1-related conditions. ClinVar contains an entry for this variant (Variation ID: 1510475). Algorithms developed to predict the effect of missense changes on protein structure and function output the following: SIFT: "Not Available"; PolyPhen-2: "Benign"; Align-GVGD: "Not Available". The threonine amino acid residue is found in multiple mammalian species, which suggests that this missense change does not adversely affect protein function. In summary, the available evidence is currently insufficient to determine the role of this variant in disease. Therefore, it has been classified as a Variant of Uncertain Significance.